The following is an entry in ClinVar:

NM_004655.4(AXIN2):c.1764G>A (p.Pro588=)

Gene: AXIN2 (axin 2; minus strand). Cytogenetic location: 17q24.1.
Variant type: single nucleotide variant.
Coding change: c.1764G>A on transcript NM_004655.4 (MANE Select); coding-DNA position 1764, G replaced by A.
Protein change: p.Pro588=; no amino-acid change (proline 588 retained).
Molecular consequence: synonymous variant. On other transcripts: intron variant (1).
Genome position (GRCh38, 1-based): chr17:65,537,012, C>T on the plus strand (G>A on the coding strand, the complement: AXIN2 is on the minus strand). VCF-style: chr17-65537012-C-T. GRCh37 (hg19) VCF-style: chr17-63533130-C-T.
Other names: c.1712+312G>A (NM_001363813.1).
Identifiers: ClinVar variation 758463 (VCV000758463.14), dbSNP rs1437268396, ClinGen allele CA501691149.

ClinVar aggregate classification (germline): Benign/Likely benign. Review status: criteria provided, multiple submitters, no conflicts (2 of 4 stars). 3 submissions from 3 submitters: Benign (1); Likely benign (2). Last evaluated 2024-10-23.

Conditions:
Hereditary cancer-predisposing syndrome. Also called: Tumor predisposition; Neoplastic Syndromes, Hereditary; Hereditary Cancer Syndrome; Hereditary neoplastic syndrome. Identifiers: Orphanet 140162, MedGen C0027672, MeSH D009386, MONDO:0015356.
Oligodontia-cancer predisposition syndrome. Also called: TOOTH AGENESIS-COLORECTAL CANCER SYNDROME. Identifiers: Orphanet 300576, MedGen C1837750, MONDO:0012075, OMIM 608615. Disease mechanism: loss of function.

Allele frequency attached by ClinVar (database versions not stated): gnomAD exomes below 0.00001.
gnomAD v4.1: 3 of 1,611,174 alleles (0.00019%); highest among the groups gnomAD compares: Admixed American, 0.0017%; no homozygotes.

Submissions (3):

Labcorp Genetics (formerly Invitae), Labcorp
Classification: Likely benign for Oligodontia-cancer predisposition syndrome. Last evaluated: 2024-10-23. Review status: criteria provided, single submitter. Criteria: Invitae Variant Classification Sherloc (09022015). Collection method: clinical testing. Allele origin: germline.

Myriad Genetics, Inc.
Classification: Benign for Oligodontia-cancer predisposition syndrome. Last evaluated: 2024-07-08. Review status: criteria provided, single submitter. Criteria: Myriad Autosomal Dominant, Autosomal Recessive and X-Linked Classification Criteria (2023). Collection method: clinical testing. Allele origin: unknown.
Comment: This variant is considered benign. This variant is a silent/synonymous amino acid change and it is not expected to impact splicing.

Ambry Genetics
Classification: Likely benign for Hereditary cancer-predisposing syndrome. Last evaluated: 2020-12-07. Review status: criteria provided, single submitter. Criteria: Ambry Variant Classification Scheme 2023. Collection method: clinical testing. Allele origin: germline.